The following is an entry in ClinVar:

ClinVar aggregate classification (germline): Uncertain significance (1 of 4 stars; one submission).

Submission:

GeneDx
Classification: Uncertain significance. Last evaluated: 2024-09-15. Review status: criteria provided, single submitter. Criteria: GeneDx Variant Classification Process June 2021. Collection method: clinical testing. Allele origin: germline. Affected: yes.
Comment: Observed in individual with congenital vertical talus in published literature; however, additional information was not provided (PMID: 35487415); Observed in individual with developmental disorder in published literature; however, no additional clinical information was provided (PMID: 33057194); Not observed at significant frequency in large population cohorts (gnomAD); In silico analysis supports that this missense variant has a deleterious effect on protein structure/function; This variant is associated with the following publications: (PMID: 33333243, 35982159, 26275437, 35487415, 33057194)

NM_000557.5(GDF5):c.1129C>T (p.Arg377Trp)

Genes: GDF5 (growth differentiation factor 5; minus strand), GDF5-AS1 (GDF5 antisense RNA 1; plus strand). Cytogenetic location: 20q11.22.
Variant type: single nucleotide variant.
Coding change: c.1129C>T on transcript NM_000557.5 (MANE Select); coding-DNA position 1129, C replaced by T.
Protein change: p.Arg377Trp; replaces arginine 377 with tryptophan.
Molecular consequence: missense variant. On other transcripts: non-coding transcript variant (1).
Genome position (GRCh38, 1-based): chr20:35,434,286, G>A on the plus strand (C>T on the coding strand, the complement: GDF5 is on the minus strand). VCF-style: chr20-35434286-G-A. GRCh37 (hg19) VCF-style: chr20-34022084-G-A.
Other names: c.1129C>T, p.Arg377Trp (NM_001319138.2); short protein forms R377W.
Identifiers: ClinVar variation 3769792 (VCV003769792.1).
Genomic context (GRCh38, chr20:35,434,286, plus strand): 5'-TAAGGTTCTTGCTGGGTCGCTTGCCCTGGCGAGTGGCCAGTGGGGCCCGCCGTTTTCGCC[G>A]CTGGCTGAACAGGTACTCATACACGGTCTTATCGTCCTGGCCAGAGCGGGCCTTAATCTC-3'
Protein context (NP_000548.2, residues 367-387): KTVYEYLFSQ[Arg377Trp]RKRRAPLATR